The following is an entry in ClinVar:

NM_172240.3(POC1B):c.513G>A (p.Trp171Ter)

Genes: POC1B (POC1 centriolar protein B; minus strand), POC1B-DUSP6 (POC1B-DUSP6 readthrough; minus strand). Cytogenetic location: 12q21.33.
Variant type: single nucleotide variant.
Coding change: c.513G>A on transcript NM_172240.3 (MANE Select); coding-DNA position 513, G replaced by A.
Protein change: p.Trp171Ter; replaces tryptophan 171 with a stop codon.
Molecular consequence: nonsense. On other transcripts: non-coding transcript variant (2).
Genome position (GRCh38, 1-based): chr12:89,472,215, C>T on the plus strand (G>A on the coding strand, the complement: POC1B is on the minus strand). VCF-style: chr12-89472215-C-T. GRCh37 (hg19) VCF-style: chr12-89865992-C-T.
Other names: c.387G>A, p.Trp129Ter (NM_001199777.2); short protein forms W171*, W129*.
Identifiers: ClinVar variation 1453037 (VCV001453037.6), dbSNP rs2120852980, ClinGen allele CA385998257.

ClinVar aggregate classification (germline): Pathogenic (1 of 4 stars; one submission).

Submission:

Labcorp Genetics (formerly Invitae), Labcorp
Classification: Pathogenic. Last evaluated: 2021-12-07. Review status: criteria provided, single submitter. Criteria: Invitae Variant Classification Sherloc (09022015). Collection method: clinical testing. Allele origin: germline.
Comment: This sequence change creates a premature translational stop signal (p.Trp171*) in the POC1B gene. It is expected to result in an absent or disrupted protein product. Loss-of-function variants in POC1B are known to be pathogenic (PMID: 25018096, 29220607). This variant is not present in population databases (gnomAD no frequency). This variant has not been reported in the literature in individuals affected with POC1B-related conditions. For these reasons, this variant has been classified as Pathogenic.

Literature cited by the submitters: PubMed 25018096; PubMed 29220607.